The following is an entry in ClinVar:

ClinVar aggregate classification (germline): Benign. Review status: criteria provided, multiple submitters, no conflicts (2 of 4 stars). 2 submissions from 2 submitters: Benign (2). Last evaluated 2025-11-05.

Allele frequency attached by ClinVar (database versions not stated): gnomAD exomes 0.28915 and 0.32519; gnomAD 0.32346 and 0.32975; ESP Exome Variant Server 0.30265; 1000 Genomes Project 30x 0.38710; 1000 Genomes Project 0.39637; ExAC 0.35575.

Submissions (2):

Mayo Clinic Laboratories, Mayo Clinic
Classification: Benign. Last evaluated: 2025-11-05. Review status: criteria provided, single submitter. Criteria: ACMG Guidelines, 2015. Collection method: clinical testing. Allele origin: germline. Observed: 20 variant alleles.
Comment: BA1, BP4, BP7

GeneDx
Classification: Benign. Last evaluated: 2018-09-05. Review status: criteria provided, single submitter. Criteria: GeneDx Variant Classification Process June 2021. Collection method: clinical testing. Allele origin: germline. Affected: yes.

NM_001278689.2(EOGT):c.515+24dup

Gene: EOGT (EGF domain specific O-linked N-acetylglucosamine transferase; minus strand). Cytogenetic location: 3p14.1.
Variant type: Duplication.
Coding change: c.515+24dup on transcript NM_001278689.2 (MANE Select); 24 bases into the intron after coding-DNA position 515, one base duplicated (A; older notation c.515+24dupA).
Molecular consequence: intron variant.
Genome position (GRCh38, 1-based): chr3:69,005,116, T duplicated on the plus strand (A on the coding strand, the reverse complement: EOGT is on the minus strand). VCF-style (leftmost placement, unchanged base first): chr3-69005115-A-AT. GRCh37 (hg19) VCF-style: chr3-69054266-A-AT.
Other names: p.?; c.515+24dup (NM_173654.3).
Identifiers: ClinVar variation 1249080 (VCV001249080.3), dbSNP rs11417320, ClinGen allele CA2486902.
Genomic context (GRCh38, chr3:69,005,115, plus strand): 5'-CTGTCTCAAAAAAAAAAAAAAAAATCCCTGGATCTGAAAATATTTCAGAATTTATACTAG[A>AT]TGTTAACATTAACCACTAAAGTACCTGTCATGATTTCTCTTGATGTTTCTTAAATCAAGA-3'